The following is an entry in ClinVar:

ClinVar aggregate classification (germline): Uncertain significance (1 of 4 stars; one submission).

Submission:

Labcorp Genetics (formerly Invitae), Labcorp
Classification: Uncertain significance. Last evaluated: 2025-04-20. Review status: criteria provided, single submitter. Criteria: Invitae Variant Classification Sherloc (09022015). Collection method: clinical testing. Allele origin: germline.
Comment: This sequence change replaces glutamic acid, which is acidic and polar, with glycine, which is neutral and non-polar, at codon 259 of the FOXI3 protein (p.Glu259Gly). This variant is not present in population databases (gnomAD no frequency). This variant has not been reported in the literature in individuals affected with FOXI3-related conditions. Experimental studies and prediction algorithms are not available or were not evaluated, and the functional significance of this variant is currently unknown. In summary, the available evidence is currently insufficient to determine the role of this variant in disease. Therefore, it has been classified as a Variant of Uncertain Significance.

NM_001135649.3(FOXI3):c.776A>G (p.Glu259Gly)

Gene: FOXI3 (forkhead box I3; minus strand). Cytogenetic location: 2p11.2.
Variant type: single nucleotide variant.
Coding change: c.776A>G on transcript NM_001135649.3 (MANE Select); coding-DNA position 776, A replaced by G.
Protein change: p.Glu259Gly; replaces glutamic acid 259 with glycine.
Molecular consequence: missense variant.
Genome position (GRCh38, 1-based): chr2:88,448,694, T>C on the plus strand (A>G on the coding strand, the complement: FOXI3 is on the minus strand). VCF-style: chr2-88448694-T-C. GRCh37 (hg19) VCF-style: chr2-88748213-T-C.
Other names: short protein forms E259G.
Identifiers: ClinVar variation 4718033 (VCV004718033.1).